The following is an entry in ClinVar:

NM_001148.6(ANK2):c.8339T>C (p.Met2780Thr)

Gene: ANK2 (ankyrin 2; plus strand). Cytogenetic location: 4q26.
Variant type: single nucleotide variant.
Coding change: c.8339T>C on transcript NM_001148.6 (MANE Select); coding-DNA position 8339, T replaced by C.
Protein change: p.Met2780Thr; replaces methionine 2780 with threonine.
Molecular consequence: missense variant. On other transcripts: intron variant (68).
Genome position (GRCh38, 1-based): chr4:113,356,957, T>C. VCF-style: chr4-113356957-T-C. GRCh37 (hg19) VCF-style: chr4-114278113-T-C.
Other names: c.8105T>C, p.Met2702Thr (NM_001386142.1); c.4739T>C, p.Met1580Thr (NM_001386166.1); c.8480T>C, p.Met2827Thr (NM_001386174.1); c.8456T>C, p.Met2819Thr (NM_001386175.1); c.4412-3866T>C (NM_001386186.2, NM_001386148.2); c.4214-3866T>C (NM_001354269.3); c.4292-3866T>C (NM_001386187.2); c.4253-3866T>C (NM_001386147.1); and 35 more; short protein forms M2827T, M2780T, M1580T, M2702T, M2819T.
Identifiers: ClinVar variation 4700467 (VCV004700467.1).
Genomic context (GRCh38, chr4:113,356,957, plus strand): 5'-ATAAGCTAAACAGAGACACTGATCAGCCAAAAATCTGTGATGGCCATGGATGTGAGGCCA[T>C]GAGTCCTAGCAGCTCAGCTGCTCCTGTCTCTTCAGGTCTACAGAGTCCGACTGGTGATGA-3'
Protein context (NP_001139.3, residues 2770-2790): KICDGHGCEA[Met2780Thr]SPSSSAAPVS

ClinVar aggregate classification (germline): Uncertain significance (1 of 4 stars; one submission).

Conditions:
Long QT syndrome (LQTS). Identifiers: MedGen C0023976, MeSH D008133, MONDO:0002442. Disease mechanism: loss of function. Inheritance: Various modes of inheritance.

gnomAD v4.1: 7 of 1,613,978 alleles (0.00043%); highest among the groups gnomAD compares: South Asian, 0.0022%; no homozygotes.

Submission:

Labcorp Genetics (formerly Invitae), Labcorp
Classification: Uncertain significance for Long QT syndrome. Last evaluated: 2025-05-05. Review status: criteria provided, single submitter. Criteria: Invitae Variant Classification Sherloc (09022015). Collection method: clinical testing. Allele origin: germline.
Comment: This sequence change replaces methionine, which is neutral and non-polar, with threonine, which is neutral and polar, at codon 2780 of the ANK2 protein (p.Met2780Thr). This variant is present in population databases (no rsID available, gnomAD 0.003%). This variant has not been reported in the literature in individuals affected with ANK2-related conditions. An algorithm developed to predict the effect of missense changes on protein structure and function outputs the following: PolyPhen-2: "Benign". The threonine amino acid residue is found in multiple mammalian species, which suggests that this missense change does not adversely affect protein function. In summary, the available evidence is currently insufficient to determine the role of this variant in disease. Therefore, it has been classified as a Variant of Uncertain Significance.